The following is an entry in ClinVar:

NM_004656.4(BAP1):c.1498G>C (p.Gly500Arg)

Gene: BAP1 (BRCA1 associated deubiquitinase 1; minus strand). Cytogenetic location: 3p21.1.
Variant type: single nucleotide variant.
Coding change: c.1498G>C on transcript NM_004656.4 (MANE Select); coding-DNA position 1498, G replaced by C.
Protein change: p.Gly500Arg; replaces glycine 500 with arginine.
Molecular consequence: missense variant.
Genome position (GRCh38, 1-based): chr3:52,403,647, C>G on the plus strand (G>C on the coding strand, the complement: BAP1 is on the minus strand). VCF-style: chr3-52403647-C-G. GRCh37 (hg19) VCF-style: chr3-52437663-C-G.
Other names: c.1444G>C, p.Gly482Arg (NM_001410772.1); short protein forms G482R, G500R.
Identifiers: ClinVar variation 3477779 (VCV003477779.2).
Genomic context (GRCh38, chr3:52,403,647, plus strand): 5'-AGGGCCGCGTCGGGTTGGCTGAGCGGATAGGCGAGCGCAGTGGCGAGTTGAAAGCACTGC[C>G]GATCTCAGAGGCCGTGTCTGTACTCTCATTGCTGGGGGTGGGTGAGGGCTGCGAGTGTGT-3'
Protein context (NP_004647.1, residues 490-510): NESTDTASEI[Gly500Arg]SAFNSPLRSP

ClinVar aggregate classification (germline): Uncertain significance. Review status: criteria provided, multiple submitters, no conflicts (2 of 4 stars). 2 submissions from 2 submitters: Uncertain significance (2). Last evaluated 2025-10-27.

Conditions:
Hereditary cancer-predisposing syndrome. Also called: Tumor predisposition; Neoplastic Syndromes, Hereditary; Hereditary neoplastic syndrome; Hereditary Cancer Syndrome. Identifiers: Orphanet 140162, MedGen C0027672, MeSH D009386, MONDO:0015356.

Submissions (2):

Color Diagnostics, LLC DBA Color Health
Classification: Uncertain significance for Hereditary cancer-predisposing syndrome. Last evaluated: 2025-10-27. Review status: criteria provided, single submitter. Criteria: ACMG Guidelines, 2015. Collection method: clinical testing. Allele origin: germline.
Comment: This missense variant replaces glycine with arginine at codon 500 of the BAP1 protein. Computational prediction suggests that this variant may not impact protein structure and function. To our knowledge, functional studies have not been reported for this variant. This variant has not been reported in individuals affected with BAP1-related disorders in the literature. This variant has not been identified in the general population by the Genome Aggregation Database (gnomAD). The available evidence is insufficient to determine the role of this variant in disease conclusively. Therefore, this variant is classified as a Variant of Uncertain Significance.

Ambry Genetics
Classification: Uncertain significance for Hereditary cancer-predisposing syndrome. Last evaluated: 2024-10-23. Review status: criteria provided, single submitter. Criteria: Ambry Variant Classification Scheme 2023. Collection method: clinical testing. Allele origin: germline.
Comment: The p.G500R variant (also known as c.1498G>C), located in coding exon 13 of the BAP1 gene, results from a G to C substitution at nucleotide position 1498. The glycine at codon 500 is replaced by arginine, an amino acid with dissimilar properties. This amino acid position is conserved. In addition, this alteration is predicted to be deleterious by in silico analysis. Based on the available evidence, the clinical significance of this variant remains unclear.